The following is an entry in ClinVar:

ClinVar aggregate classification (germline): Uncertain significance. Review status: criteria provided, multiple submitters, no conflicts (2 of 4 stars). 2 submissions from 2 submitters: Uncertain significance (2). Last evaluated 2025-05-26.

gnomAD v4.1: 18 of 1,614,076 alleles (0.0011%); highest among the groups gnomAD compares: African/African-American, 0.0027%; no homozygotes.

Submissions (2):

Labcorp Genetics (formerly Invitae), Labcorp
Classification: Uncertain significance. Last evaluated: 2025-05-26. Review status: criteria provided, single submitter. Criteria: Invitae Variant Classification Sherloc (09022015). Collection method: clinical testing. Allele origin: germline.
Comment: This sequence change replaces alanine, which is neutral and non-polar, with threonine, which is neutral and polar, at codon 201 of the ANKH protein (p.Ala201Thr). This variant is present in population databases (no rsID available, gnomAD 0.006%). This variant has not been reported in the literature in individuals affected with ANKH-related conditions. ClinVar contains an entry for this variant (Variation ID: 1397230). Invitae Evidence Modeling of protein sequence and biophysical properties (such as structural, functional, and spatial information, amino acid conservation, physicochemical variation, residue mobility, and thermodynamic stability) indicates that this missense variant is not expected to disrupt ANKH protein function with a negative predictive value of 80%. In summary, the available evidence is currently insufficient to determine the role of this variant in disease. Therefore, it has been classified as a Variant of Uncertain Significance.

GeneDx
Classification: Uncertain significance. Last evaluated: 2022-11-08. Review status: criteria provided, single submitter. Criteria: GeneDx Variant Classification Process June 2021. Collection method: clinical testing. Allele origin: germline. Affected: yes.
Comment: Not observed at significant frequency in large population cohorts (gnomAD); In silico analysis supports that this missense variant does not alter protein structure/function; Has not been previously published as pathogenic or benign to our knowledge

NM_054027.6(ANKH):c.601G>A (p.Ala201Thr)

Gene: ANKH (ANKH inorganic pyrophosphate transport regulator; minus strand). Cytogenetic location: 5p15.2.
Variant type: single nucleotide variant.
Coding change: c.601G>A on transcript NM_054027.6 (MANE Select); coding-DNA position 601, G replaced by A.
Protein change: p.Ala201Thr; replaces alanine 201 with threonine.
Molecular consequence: missense variant.
Genome position (GRCh38, 1-based): chr5:14,751,155, C>T on the plus strand (G>A on the coding strand, the complement: ANKH is on the minus strand). VCF-style: chr5-14751155-C-T. GRCh37 (hg19) VCF-style: chr5-14751264-C-T.
Other names: short protein forms A201T.
Identifiers: ClinVar variation 1397230 (VCV001397230.7), dbSNP rs1190164920, ClinGen allele CA359248238.